The following is an entry in ClinVar:

NM_000535.7(PMS2):c.774_780delinsTACG (p.Cys259_Ser260delinsThr)

Gene: PMS2 (PMS1 homolog 2, mismatch repair system component; minus strand). Cytogenetic location: 7p22.1.
Variant type: Indel.
Coding change: c.774_780delinsTACG on transcript NM_000535.7 (MANE Select); coding-DNA positions 774 to 780, CTGTTCC replaced by TACG.
Protein change: p.Cys259_Ser260delinsThr.
Molecular consequence: inframe indel. On other transcripts: 5 prime UTR variant (2), non-coding transcript variant (1).
Genome position (GRCh38, 1-based): chr7:5,997,349-5,997,355, GGAACAG replaced by CGTA on the plus strand (CTGTTCC replaced by TACG on the coding strand, the reverse complement: PMS2 is on the minus strand). VCF-style: chr7-5997349-GGAACAG-CGTA. GRCh37 (hg19) VCF-style: chr7-6036980-GGAACAG-CGTA.
Other names: c.369_375delinsTACG, p.Cys124_Ser125delinsThr (NM_001322003.2, NM_001322004.2, NM_001322005.2 and 2 more transcripts); c.774_780delinsTACG, p.Cys259_Ser260delinsThr (NM_001322006.2, NM_001322014.2); c.456_462delinsTACG, p.Cys153_Ser154delinsThr (NM_001322007.2, NM_001322008.2); c.-160_-154delinsTACG (NM_001322011.2, NM_001322012.2); c.201_207delinsTACG, p.Cys68_Ser69delinsThr (NM_001322013.2); c.465_471delinsTACG, p.Cys156_Ser157delinsThr (NM_001322015.2).
Identifiers: ClinVar variation 484310 (VCV000484310.12), dbSNP rs1554301436, ClinGen allele CA658657644.

ClinVar aggregate classification (germline): Uncertain significance. Review status: criteria provided, multiple submitters, no conflicts (2 of 4 stars). 4 submissions from 4 submitters: Uncertain significance (4). Last evaluated 2025-12-02.

Conditions:
Hereditary cancer-predisposing syndrome. Also called: Neoplastic Syndromes, Hereditary; Tumor predisposition; Hereditary Cancer Syndrome; Hereditary neoplastic syndrome. Identifiers: Orphanet 140162, MedGen C0027672, MeSH D009386, MONDO:0015356.
Lynch syndrome 4 (LYNCH4). Also called: Colorectal cancer, hereditary nonpolyposis, type 4; Hereditary non-polyposis colorectal cancer, type 4. Identifiers: Orphanet 144, MedGen C1838333, MONDO:0013699, OMIM 614337. Disease mechanism: loss of function.

Submissions (4):

Ambry Genetics
Classification: Uncertain significance for Hereditary cancer-predisposing syndrome. Last evaluated: 2025-12-02. Review status: criteria provided, single submitter. Criteria: Ambry Variant Classification Scheme 2023. Collection method: clinical testing. Allele origin: germline.
Comment: The c.774_780delCTGTTCCinsTACG variant (also known as p.C259_S260delinsT), located in coding exon 7 of the PMS2 gene, results from an in-frame deletion of CTGTTCC and insertion of TACG at nucleotide positions 774 to 780. This results in the substitution of cysteine and serine residues for a threonine residue at codons 259-260. These amino acid positions are not well conserved in available vertebrate species. In addition, this alteration is predicted to be deleterious by in silico analysis (Choi Y et al. PLoS ONE. 2012; 7(10):e46688). Based on the available evidence, the clinical significance of this variant remains unclear.

Color Diagnostics, LLC DBA Color Health
Classification: Uncertain significance for Hereditary cancer-predisposing syndrome. Last evaluated: 2025-06-17. Review status: criteria provided, single submitter. Criteria: ACMG Guidelines, 2015. Collection method: clinical testing. Allele origin: germline.
Comment: This variant results in the replacement of two amino acids at codons 259 and 260 with one novel amino acid (p.Cys259_Ser260delinsThr) in the PMS2 protein. To our knowledge, functional studies have not been reported for this variant. This variant has not been reported in individuals affected with PMS2-related disorders in the literature. This variant has not been identified in the general population by the Genome Aggregation Database (gnomAD). The available evidence is insufficient to determine the role of this variant in disease conclusively. Therefore, this variant is classified as a Variant of Uncertain Significance.

Institute of Human Genetics, University of Leipzig Medical Center
Classification: Uncertain significance for Lynch syndrome 4. Last evaluated: 2023-01-11. Review status: criteria provided, single submitter. Criteria: ACMG Guidelines, 2015. Collection method: clinical testing. Allele origin: unknown. Affected: yes.
Comment: _x000D_ Criteria applied: PM2_SUPP, PM4

PreventionGenetics, part of Exact Sciences
Classification: Uncertain significance. Last evaluated: 2018-01-10. Review status: criteria provided, single submitter. Criteria: ACMG Guidelines, 2015. Collection method: clinical testing. Allele origin: germline.